The following is an entry in ClinVar:

NM_001367624.2(ZNF469):c.8052del (p.Pro2685fs)

Gene: ZNF469 (zinc finger protein 469; plus strand). Cytogenetic location: 16q24.2.
Variant type: Deletion.
Coding change: c.8052del on transcript NM_001367624.2 (MANE Select); coding-DNA position 8052, one base deleted (G; older notation c.8052delG).
Protein change: p.Pro2685fs; shifts the reading frame from proline 2685.
Molecular consequence: frameshift variant.
Genome position (GRCh38, 1-based): chr16:88,435,522, G deleted; the last of 3 consecutive G bases (chr16:88,435,520-88,435,522); deleting any one gives the same sequence. VCF-style (leftmost placement, unchanged base first): chr16-88435519-AG-A. GRCh37 (hg19) VCF-style: chr16-88501927-AG-A.
Other names: short protein forms P2685fs.
Identifiers: ClinVar variation 2832759 (VCV002832759.3), dbSNP rs2507598343, ClinGen allele CA2739266945.
Genomic context (GRCh38, chr16:88,435,519, plus strand): 5'-ACCATCCCCTGCAATGGCCAGTTACGCAGCCTCTCCGAGCCACTGCCTCTCTGTGGAAGG[AG>A]GGCCTGAGGCTGACGGGGAGCAGCCGCCTCGCTTGGCCACTCTGGGACCTGGGGTGATGG-3'

ClinVar aggregate classification (germline): Pathogenic (1 of 4 stars; one submission).

Submission:

Labcorp Genetics (formerly Invitae), Labcorp
Classification: Pathogenic. Last evaluated: 2023-01-29. Review status: criteria provided, single submitter. Criteria: Invitae Variant Classification Sherloc (09022015). Collection method: clinical testing. Allele origin: germline.
Comment: This variant has not been reported in the literature in individuals affected with ZNF469-related conditions. This sequence change creates a premature translational stop signal (p.Pro2657Leufs*18) in the ZNF469 gene. While this is not anticipated to result in nonsense mediated decay, it is expected to disrupt the last 1269 amino acid(s) of the ZNF469 protein. This variant is not present in population databases (gnomAD no frequency). This variant disrupts a region of the ZNF469 protein in which other variant(s) (p.Arg3414Glyfs*59) have been determined to be pathogenic (PMID: 32671420). This suggests that this is a clinically significant region of the protein, and that variants that disrupt it are likely to be disease-causing. For these reasons, this variant has been classified as Pathogenic.

Literature cited by the submitters: PubMed 32671420.